The following is an entry in ClinVar:

ClinVar aggregate classification (germline): Uncertain significance. Review status: criteria provided, multiple submitters, no conflicts (2 of 4 stars). 2 submissions from 2 submitters: Uncertain significance (2). Last evaluated 2026-04-22.

Conditions:
SH3TC2-related disorder. Also called: SH3TC2-related condition; SH3TC2-related disorders. Identifiers: MedGen CN239303.
Charcot-Marie-Tooth disease type 4. Also called: Charcot-Marie-Tooth disease, type IV; Charcot-Marie-Tooth, Type 4. Identifiers: Orphanet 64749, MedGen C4082197, MONDO:0018995.

Allele frequency attached by ClinVar (database versions not stated): ExAC 0.00002; gnomAD 0.00002; TOPMed 0.00002; gnomAD exomes 0.00003; ESP Exome Variant Server 0.00008.
gnomAD v4.1: 81 of 1,614,056 alleles (0.005%); highest among the groups gnomAD compares: Non-Finnish European, 0.0063%; no homozygotes.

Submissions (2):

PreventionGenetics, part of Exact Sciences
Classification: Uncertain significance for SH3TC2-related condition. Last evaluated: 2026-04-22. Review status: criteria provided, single submitter. Criteria: ACMG Guidelines, 2015. Collection method: clinical testing. Allele origin: germline.
Comment: The SH3TC2 c.3722C>T variant is predicted to result in the amino acid substitution p.Ala1241Val. To our knowledge, this variant has not been reported in the literature. This variant is reported in 0.0065% of alleles in individuals of South Asian descent in gnomAD. At this time, the clinical significance of this variant is uncertain due to the absence of conclusive functional and genetic evidence.

Labcorp Genetics (formerly Invitae), Labcorp
Classification: Uncertain significance for Charcot-Marie-Tooth disease type 4. Last evaluated: 2021-08-28. Review status: criteria provided, single submitter. Criteria: Invitae Variant Classification Sherloc (09022015). Collection method: clinical testing. Allele origin: germline.
Comment: This sequence change replaces alanine with valine at codon 1241 of the SH3TC2 protein (p.Ala1241Val). The alanine residue is highly conserved and there is a small physicochemical difference between alanine and valine. This variant is present in population databases (rs141712019, ExAC 0.01%). This variant has not been reported in the literature in individuals affected with SH3TC2-related conditions. Advanced modeling of protein sequence and biophysical properties (such as structural, functional, and spatial information, amino acid conservation, physicochemical variation, residue mobility, and thermodynamic stability) performed at Invitae indicates that this missense variant is not expected to disrupt SH3TC2 protein function. In summary, the available evidence is currently insufficient to determine the role of this variant in disease. Therefore, it has been classified as a Variant of Uncertain Significance.

NM_024577.4(SH3TC2):c.3722C>T (p.Ala1241Val)

Gene: SH3TC2 (SH3 domain and tetratricopeptide repeats 2; minus strand). Cytogenetic location: 5q32.
Variant type: single nucleotide variant.
Coding change: c.3722C>T on transcript NM_024577.4 (MANE Select); coding-DNA position 3722, C replaced by T.
Protein change: p.Ala1241Val; replaces alanine 1241 with valine.
Molecular consequence: missense variant.
Genome position (GRCh38, 1-based): chr5:149,004,856, G>A on the plus strand (C>T on the coding strand, the complement: SH3TC2 is on the minus strand). VCF-style: chr5-149004856-G-A. GRCh37 (hg19) VCF-style: chr5-148384419-G-A.
Other names: c.3722C>T (NM_024577.3); short protein forms A1241V.
Identifiers: ClinVar variation 1351436 (VCV001351436.6), dbSNP rs141712019, ClinGen allele CA3498641.
Genomic context (GRCh38, chr5:149,004,856, plus strand): 5'-CAGATGTTGTCCAGCCTGCTCCTAATGGTGTCCTGAAGCTCCTCATCACCCAGCAGGACC[G>A]CTGCTGCCAGGGCCAGAAGGAAGTACTCAGTGGCATCATGGGCATCCTAACCCCGTGGTA-3'
Protein context (NP_078853.2, residues 1231-1251): TEYFLLALAA[Ala1241Val]VLLGDEELQD